The following is an entry in ClinVar:

ClinVar aggregate classification (germline): Uncertain significance. Review status: criteria provided, multiple submitters, no conflicts (2 of 4 stars). 2 submissions from 2 submitters: Uncertain significance (2). Last evaluated 2024-12-22.

Submissions (2):

GeneDx
Classification: Uncertain significance. Last evaluated: 2024-12-22. Review status: criteria provided, single submitter. Criteria: GeneDx Variant Classification Process June 2021. Collection method: clinical testing. Allele origin: germline. Affected: yes.
Comment: Not observed at significant frequency in large population cohorts (gnomAD); In silico analysis supports that this missense variant has a deleterious effect on protein structure/function; Has not been previously published as pathogenic or benign to our knowledge

Labcorp Genetics (formerly Invitae), Labcorp
Classification: Uncertain significance. Last evaluated: 2024-04-27. Review status: criteria provided, single submitter. Criteria: Invitae Variant Classification Sherloc (09022015). Collection method: clinical testing. Allele origin: germline.
Comment: This sequence change replaces serine, which is neutral and polar, with arginine, which is basic and polar, at codon 293 of the ASNS protein (p.Ser293Arg). This variant is not present in population databases (gnomAD no frequency). This variant has not been reported in the literature in individuals affected with ASNS-related conditions. Advanced modeling of protein sequence and biophysical properties (such as structural, functional, and spatial information, amino acid conservation, physicochemical variation, residue mobility, and thermodynamic stability) performed at Invitae indicates that this missense variant is expected to disrupt ASNS protein function with a positive predictive value of 80%. In summary, the available evidence is currently insufficient to determine the role of this variant in disease. Therefore, it has been classified as a Variant of Uncertain Significance.

NM_001673.5(ASNS):c.877A>C (p.Ser293Arg)

Genes: ASNS (asparagine synthetase (glutamine-hydrolyzing); minus strand), CZ1P-ASNS (CZ1P-ASNS readthrough; minus strand). Cytogenetic location: 7q21.3.
Variant type: single nucleotide variant.
Coding change: c.877A>C on transcript NM_001673.5 (MANE Select); coding-DNA position 877, A replaced by C.
Protein change: p.Ser293Arg; replaces serine 293 with arginine.
Molecular consequence: missense variant. On other transcripts: non-coding transcript variant (1).
Genome position (GRCh38, 1-based): chr7:97,858,304, T>G on the plus strand (A>C on the coding strand, the complement: ASNS is on the minus strand). VCF-style: chr7-97858304-T-G. GRCh37 (hg19) VCF-style: chr7-97487616-T-G.
Other names: c.814A>C, p.Ser272Arg (NM_001178075.2); c.628A>C, p.Ser210Arg (NM_001178076.2, NM_001178077.1); c.877A>C, p.Ser293Arg (NM_001352496.2, NM_133436.3, NM_183356.4); short protein forms S210R, S272R, S293R.
Identifiers: ClinVar variation 3621711 (VCV003621711.3).